The following is an entry in ClinVar:

ClinVar aggregate classification (germline): Uncertain significance (1 of 4 stars; one submission).

Conditions:
Familial adenomatous polyposis 1 (FAP1). Also called: POLYPOSIS, ADENOMATOUS INTESTINAL; FAMILIAL ADENOMATOUS POLYPOSIS 1, ATTENUATED. Identifiers: MedGen C2713442, MONDO:0021056, OMIM 175100. Disease mechanism: loss of function.

Submission:

Labcorp Genetics (formerly Invitae), Labcorp
Classification: Uncertain significance for Familial adenomatous polyposis 1. Last evaluated: 2024-11-24. Review status: criteria provided, single submitter. Criteria: Invitae Variant Classification Sherloc (09022015). Collection method: clinical testing. Allele origin: germline.
Comment: This sequence change replaces aspartic acid, which is acidic and polar, with tyrosine, which is neutral and polar, at codon 842 of the APC protein (p.Asp842Tyr). This variant is not present in population databases (gnomAD no frequency). This variant has not been reported in the literature in individuals affected with APC-related conditions. Invitae Evidence Modeling of protein sequence and biophysical properties (such as structural, functional, and spatial information, amino acid conservation, physicochemical variation, residue mobility, and thermodynamic stability) indicates that this missense variant is not expected to disrupt APC protein function with a negative predictive value of 95%. In summary, the available evidence is currently insufficient to determine the role of this variant in disease. Therefore, it has been classified as a Variant of Uncertain Significance.

NM_000038.6(APC):c.2524G>T (p.Asp842Tyr)

Gene: APC (APC regulator of Wnt signaling pathway; plus strand). Cytogenetic location: 5q22.2.
Variant type: single nucleotide variant.
Coding change: c.2524G>T on transcript NM_000038.6 (MANE Select); coding-DNA position 2524, G replaced by T.
Protein change: p.Asp842Tyr; replaces aspartic acid 842 with tyrosine.
Molecular consequence: missense variant. On other transcripts: non-coding transcript variant (2).
Genome position (GRCh38, 1-based): chr5:112,838,118, G>T. VCF-style: chr5-112838118-G-T. GRCh37 (hg19) VCF-style: chr5-112173815-G-T.
Other names: c.2524G>T, p.Asp842Tyr (NM_001127510.3, NM_001354895.2, NM_001407450.1); c.2470G>T, p.Asp824Tyr (NM_001127511.3); c.2578G>T, p.Asp860Tyr (NM_001354896.2, NM_001407447.1, NM_001407448.1 and 1 more transcripts); c.2554G>T, p.Asp852Tyr (NM_001354897.2); c.2449G>T, p.Asp817Tyr (NM_001354898.2); c.2440G>T, p.Asp814Tyr (NM_001354899.2); c.2401G>T, p.Asp801Tyr (NM_001354900.2); c.2347G>T, p.Asp783Tyr (NM_001354901.2, NM_001407453.1); and 11 more; short protein forms D458Y, D783Y, D842Y, D682Y, D835Y, D713Y, D716Y, D741Y.
Identifiers: ClinVar variation 3673075 (VCV003673075.2).